The following is an entry in ClinVar:

ClinVar aggregate classification (germline): Uncertain significance (1 of 4 stars; one submission).

Submission:

Labcorp Genetics (formerly Invitae), Labcorp
Classification: Uncertain significance. Last evaluated: 2025-01-06. Review status: criteria provided, single submitter. Criteria: Invitae Variant Classification Sherloc (09022015). Collection method: clinical testing. Allele origin: germline.
Comment: This sequence change replaces alanine, which is neutral and non-polar, with glutamic acid, which is acidic and polar, at codon 578 of the CPLANE1 protein (p.Ala578Glu). This variant is not present in population databases (gnomAD no frequency). This variant has not been reported in the literature in individuals affected with CPLANE1-related conditions. Invitae Evidence Modeling of protein sequence and biophysical properties (such as structural, functional, and spatial information, amino acid conservation, physicochemical variation, residue mobility, and thermodynamic stability) indicates that this missense variant is not expected to disrupt CPLANE1 protein function with a negative predictive value of 95%. In summary, the available evidence is currently insufficient to determine the role of this variant in disease. Therefore, it has been classified as a Variant of Uncertain Significance.

NM_001384732.1(CPLANE1):c.1733C>A (p.Ala578Glu)

Gene: CPLANE1 (ciliogenesis and planar polarity effector complex subunit 1; minus strand). Cytogenetic location: 5p13.2.
Variant type: single nucleotide variant.
Coding change: c.1733C>A on transcript NM_001384732.1 (MANE Select); coding-DNA position 1733, C replaced by A.
Protein change: p.Ala578Glu; replaces alanine 578 with glutamic acid.
Molecular consequence: missense variant.
Genome position (GRCh38, 1-based): chr5:37,226,862, G>T on the plus strand (C>A on the coding strand, the complement: CPLANE1 is on the minus strand). VCF-style: chr5-37226862-G-T. GRCh37 (hg19) VCF-style: chr5-37226964-G-T.
Other names: c.1733C>A, p.Ala578Glu (NM_023073.4); short protein forms A578E.
Identifiers: ClinVar variation 3635379 (VCV003635379.2).
Genomic context (GRCh38, chr5:37,226,862, plus strand): 5'-ATGTAATTTAACATTAAATTTTTTTCTGTCACAGTTTTTGAAATTCCTATAGTCCACGCT[G>T]CAAGTAGACTTTTCTGGATAGAATGCAGTTCTGTAATGGTTCTATCTGTCTCCTCACTAT-3'
Protein context (NP_001371661.1, residues 568-588): ELHSIQKSLL[Ala578Glu]AWTIGISKTV